The following is an entry in ClinVar:

NM_006516.4(SLC2A1):c.159G>T (p.Gly53=)

Gene: SLC2A1 (solute carrier family 2 member 1; minus strand). Cytogenetic location: 1p34.2.
Variant type: single nucleotide variant.
Coding change: c.159G>T on transcript NM_006516.4 (MANE Select); coding-DNA position 159, G replaced by T.
Protein change: p.Gly53=; no amino-acid change (glycine 53 retained).
Molecular consequence: synonymous variant.
Genome position (GRCh38, 1-based): chr1:42,931,162, C>A on the plus strand (G>T on the coding strand, the complement: SLC2A1 is on the minus strand). VCF-style: chr1-42931162-C-A. GRCh37 (hg19) VCF-style: chr1-43396833-C-A.
Identifiers: ClinVar variation 1512571 (VCV001512571.6), dbSNP rs2124450884, ClinGen allele CA417543815.

ClinVar aggregate classification (germline): Uncertain significance (1 of 4 stars; one submission).

Conditions:
GLUT1 deficiency syndrome 1, autosomal recessive. Identifiers: MedGen C3149117.

gnomAD v4.1: 1 of 1,614,136 alleles (0.000062%); no homozygotes.

Submission:

Labcorp Genetics (formerly Invitae), Labcorp
Classification: Uncertain significance for GLUT1 deficiency syndrome 1, autosomal recessive. Last evaluated: 2023-01-16. Review status: criteria provided, single submitter. Criteria: Invitae Variant Classification Sherloc (09022015). Collection method: clinical testing. Allele origin: germline.
Comment: This variant is not present in population databases (gnomAD no frequency). This sequence change affects codon 53 of the SLC2A1 mRNA. It is a 'silent' change, meaning that it does not change the encoded amino acid sequence of the SLC2A1 protein. This variant has not been reported in the literature in individuals affected with SLC2A1-related conditions. In summary, the available evidence is currently insufficient to determine the role of this variant in disease. Therefore, it has been classified as a Variant of Uncertain Significance. Algorithms developed to predict the effect of sequence changes on RNA splicing suggest that this variant may create or strengthen a splice site. ClinVar contains an entry for this variant (Variation ID: 1512571).